The following is an entry in ClinVar:

NM_023110.3(FGFR1):c.1558G>A (p.Ala520Thr)

Gene: FGFR1 (fibroblast growth factor receptor 1; minus strand). Cytogenetic location: 8p11.23.
Variant type: single nucleotide variant.
Coding change: c.1558G>A on transcript NM_023110.3 (MANE Select); coding-DNA position 1558, G replaced by A.
Protein change: p.Ala520Thr; replaces alanine 520 with threonine.
Molecular consequence: missense variant.
Genome position (GRCh38, 1-based): chr8:38,417,411, C>T on the plus strand (G>A on the coding strand, the complement: FGFR1 is on the minus strand). VCF-style: chr8-38417411-C-T. GRCh37 (hg19) VCF-style: chr8-38274929-C-T.
Other names: c.1552G>A, p.Ala518Thr (NM_001174065.2, NM_001174063.2, NM_001354367.2 and 1 more transcripts); c.1528G>A, p.Ala510Thr (NM_001174064.2); c.1291G>A, p.Ala431Thr (NM_001174066.2, NM_023105.3); c.1651G>A, p.Ala551Thr (NM_001174067.2); c.1279G>A, p.Ala427Thr (NM_001354368.2); c.1546G>A, p.Ala516Thr (NM_001354369.2); c.1285G>A, p.Ala429Thr (NM_001354370.2, NM_023106.3); c.1558G>A (NM_023110.2); short protein forms A427T, A429T, A431T, A510T, A516T, A518T, A520T, A551T.
Identifiers: ClinVar variation 1333803 (VCV001333803.5), dbSNP rs749758370, ClinGen allele CA4718333.
Genomic context (GRCh38, chr8:38,417,411, plus strand): 5'-TCCCGATCATCTTCATCATCTCCATTTCTGAGATCAGGTCTGACAAGTCTTTCTCTGTTG[C>T]GTCCGCTTTAAAGAACACGTTGAGACTCATTTACTTGGGAAGGGAGGAGGGCAGGATAAA-3'
Protein context (NP_075598.2, residues 510-530): KVAVKMLKSD[Ala520Thr]TEKDLSDLIS

ClinVar aggregate classification (germline): Uncertain significance. Review status: criteria provided, multiple submitters, no conflicts (2 of 4 stars). 3 submissions from 3 submitters: Uncertain significance (3). Last evaluated 2025-04-22.

Conditions:
Hypogonadotropic hypogonadism 2 with or without anosmia (HH2). Also called: HYPOGONADOTROPIC HYPOGONADISM 2 WITHOUT ANOSMIA; FGFR1-Related GnRH Deficiency (Kallmann Syndrome 2); HYPOGONADOTROPIC HYPOGONADISM 2 WITH OR WITHOUT ANOSMIA, SUSCEPTIBILITY TO; HYPOGONADOTROPIC HYPOGONADISM 2 WITHOUT ANOSMIA, SUSCEPTIBILITY TO. Identifiers: Orphanet 478, MedGen C1563720, MONDO:0007844, OMIM 147950. Disease mechanism: loss of function.
Pfeiffer syndrome (ACS5). Also called: ACS V. Identifiers: Orphanet 710, MedGen C0220658, MONDO:0007043, OMIM 101600.
Osteoglophonic dysplasia (OGD). Also called: Osteoglophonic dwarfism. Identifiers: Orphanet 2645, MedGen C0432283, MONDO:0008150, OMIM 166250.

Allele frequency attached by ClinVar (database versions not stated): ExAC 0.00001; gnomAD 0.00001; gnomAD exomes 0.00001; TOPMed 0.00001.
gnomAD v4.1: 23 of 1,613,438 alleles (0.0014%); highest among the groups gnomAD compares: Non-Finnish European, 0.0017%; no homozygotes.

Submissions (3):

Labcorp Genetics (formerly Invitae), Labcorp
Classification: Uncertain significance for Pfeiffer syndrome; Hypogonadotropic hypogonadism 2 with or without anosmia. Last evaluated: 2025-04-22. Review status: criteria provided, single submitter. Criteria: Invitae Variant Classification Sherloc (09022015). Collection method: clinical testing. Allele origin: germline.
Comment: This sequence change replaces alanine, which is neutral and non-polar, with threonine, which is neutral and polar, at codon 520 of the FGFR1 protein (p.Ala520Thr). This variant is present in population databases (rs749758370, gnomAD 0.003%). This missense change has been observed in individual(s) with Kallmann syndrome (PMID: 15605412). ClinVar contains an entry for this variant (Variation ID: 1333803). Invitae Evidence Modeling of protein sequence and biophysical properties (such as structural, functional, and spatial information, amino acid conservation, physicochemical variation, residue mobility, and thermodynamic stability) indicates that this missense variant is not expected to disrupt FGFR1 protein function with a negative predictive value of 80%. In summary, the available evidence is currently insufficient to determine the role of this variant in disease. Therefore, it has been classified as a Variant of Uncertain Significance.

GeneDx
Classification: Uncertain significance. Last evaluated: 2023-04-17. Review status: criteria provided, single submitter. Criteria: GeneDx Variant Classification Process June 2021. Collection method: clinical testing. Allele origin: germline. Affected: yes.
Comment: Reported in the heterozygous state in a patient with hypogonadotropic hypogonadism and anosmia or hyposmia (Albuisson et al., 2005); Not observed at significant frequency in large population cohorts (gnomAD); In silico analysis supports that this missense variant has a deleterious effect on protein structure/function; This variant is associated with the following publications: (PMID: 31996231, 19707180, 15605412, 23329143, 18034870)

CENTOGENE GmbH and LLC - Guiding Precision Medicine
Classification: Uncertain significance for Osteoglophonic dysplasia. Last evaluated: 2017-12-04. Review status: criteria provided, single submitter. Criteria: ACMG Guidelines, 2015. Collection method: clinical testing. Allele origin: maternal. Affected: yes.

Literature cited by the submitters: PubMed 15605412 (cited by Labcorp Genetics (formerly Invitae), Labcorp).